The following is an entry in ClinVar:

ClinVar aggregate classification (germline): Pathogenic (1 of 4 stars; one submission).

Conditions:
Neurofibromatosis, type 1 (NF1). Also called: Neurofibromatosis, type I; NEUROFIBROMATOSIS, TYPE I, SOMATIC; Peripheral type neurofibromatosis; VON RECKLINGHAUSEN DISEASE. Identifiers: Orphanet 636, MedGen C0027831, MONDO:0018975, OMIM 162200. Disease mechanism: loss of function.

Submission:

Labcorp Genetics (formerly Invitae), Labcorp
Classification: Pathogenic for Neurofibromatosis, type 1. Last evaluated: 2016-04-10. Review status: criteria provided, single submitter. Criteria: Invitae Variant Classification Sherloc (09022015). Collection method: clinical testing. Allele origin: germline.
Comment: For these reasons, this variant has been classified as Pathogenic. While this particular variant has not been reported in the literature, truncating variants in NF1 are known to be pathogenic (PMID: 10712197, 23913538). This sequence change creates a premature translational stop signal at codon 1891 (p.Ser1891Asnfs*2) of the NF1 gene. It is expected to result in an absent or disrupted protein product.

Literature cited by the submitters: PubMed 10712197; PubMed 23913538.

NM_001042492.3(NF1):c.5731_5734dup (p.Ser1912delinsAsnTer)

Gene: NF1 (neurofibromin 1; plus strand). Cytogenetic location: 17q11.2.
Variant type: Duplication.
Coding change: c.5731_5734dup on transcript NM_001042492.3 (MANE Select); coding-DNA positions 5731 to 5734, 4 bases duplicated (ATTA; older notation c.5731_5734dupATTA).
Protein change: p.Ser1912delinsAsnTer.
Molecular consequence: nonsense. On other transcripts: frameshift variant (1).
Genome position (GRCh38, 1-based): chr17:31,330,417-31,330,420, ATTA duplicated. VCF-style (leftmost placement, unchanged base first): chr17-31330416-T-TATTA. GRCh37 (hg19) VCF-style: chr17-29657434-T-TATTA.
Other names: c.5668_5671dup, p.Ser1891Asnfs (NM_000267.4); c.5668_5671dupATTA (NM_000267.3).
Identifiers: ClinVar variation 404545 (VCV000404545.5), dbSNP rs1555533871, ClinGen allele CA16615284.